The following is an entry in ClinVar:

ClinVar aggregate classification (germline): Pathogenic/Likely pathogenic. Review status: criteria provided, multiple submitters, no conflicts (2 of 4 stars). 12 submissions from 11 submitters: Pathogenic (4); Likely pathogenic (7). 1 of the submissions does not count toward it. Last evaluated 2025-06-30.

Conditions:
Gaucher disease due to saposin C deficiency. Also called: Saposin C Deficiency; Atypical Gaucher disease due to saposin C deficiency. Identifiers: Orphanet 309252, Orphanet 355, MedGen C1864651, MONDO:0012517, OMIM 610539.
Combined PSAP deficiency (PSAPD). Also called: Encephalopathy due to prosaposin deficiency; COMBINED SAP DEFICIENCY; PROSAPOSIN DEFICIENCY. Identifiers: Orphanet 139406, MedGen C2673635, MONDO:0012719, OMIM 611721.
Krabbe disease due to saposin A deficiency. Also called: KRABBE DISEASE, ATYPICAL, DUE TO SAPOSIN A DEFICIENCY; Saposin A Deficiency. Identifiers: Orphanet 487, MedGen C2673266, MONDO:0012720, OMIM 611722.
Sphingolipid activator protein 1 deficiency. Also called: Saposin B Deficiency; Metachromatic leukodystrophy due to saposin B deficiency; METACHROMATIC LEUKODYSTROPHY DUE TO CEREBROSIDE SULFATASE ACTIVATOR DEFICIENCY. Identifiers: Orphanet 512, MedGen C0268262, MONDO:0009590, OMIM 249900.
Parkinson disease 24, autosomal dominant, susceptibility to. Identifiers: MedGen C5561969, MONDO:0859183, OMIM 619491.
PSAP-related disorder. Also called: PSAP-related condition.
Metachromatic leukodystrophy (MLD). Also called: SULFATIDE LIPIDOSIS; ARSA DEFICIENCY; CEREBROSIDE SULFATASE DEFICIENCY; METACHROMATIC LEUKOENCEPHALOPATHY; Cerebral sclerosis diffuse metachromatic form; Arylsulfatase A Deficiency. Identifiers: Orphanet 512, MedGen C0023522, MONDO:0018868, OMIM 250100.

Allele frequency attached by ClinVar (database versions not stated): TOPMed 0.00004; ESP Exome Variant Server 0.00008; gnomAD 0.00003; gnomAD exomes below 0.00001.

Submissions (12):

3billion
Classification: Pathogenic for Sphingolipid activator protein 1 deficiency. Last evaluated: 2025-06-30. Review status: criteria provided, single submitter. Criteria: ACMG Guidelines, 2015. Collection method: clinical testing. Allele origin: germline. Affected: yes.
Comment: The variant is observed at an extremely low frequency in the gnomAD v4.1.0 dataset (total allele frequency: <0.001%). Predicted Consequence/Location: Inframe deletion located in a nonrepeat region: predicted to change the length of the protein and disrupt normal protein function. The variant has been observed in at least two similarly affected unrelated individuals (PMID: 30632081, 32180488). No sentences The variant has been reported at least twice as pathogenic with clinical assertions and evidence for the classification (ClinVar ID: VCV000562226 /PMID: 30632081). Therefore, this variant is classified as Pathogenic according to the recommendation of ACMG/AMP guideline.

Natera, Inc.
Classification: Likely pathogenic for Metachromatic leukodystrophy. Last evaluated: 2024-07-09. Review status: criteria provided, single submitter. Criteria: Natera Variant Classification Schema (03/2026). Collection method: clinical testing. Allele origin: germline.
Comment: The c.679_681delAAG variant in PSAP is an in-frame deletion predicted to remove lysine at amino acid 227 while preserving the reading frame. This variant is rare in the general population with a frequency below the threshold expected for the associated phenotype(s). This variant has been observed in one or more individuals affected with the associated recessive disease, as either homozygous or compound heterozygous with a second variant (PMID: 32180488, 38277958, 30632081). This variant results in a change to the protein length while preserving reading frame, which may disrupt normal protein structure or function. Computational prediction algorithms indicate this variant is likely to affect gene or protein function. Given the available evidence, this variant is classified as Likely Pathogenic.

Foundation for Research in Genetics and Endocrinology, FRIGE's Institute of Human Genetics
Classification: Pathogenic for Sphingolipid activator protein 1 deficiency. Last evaluated: 2024-05-31. Review status: criteria provided, single submitter. Criteria: ACMG Guidelines, 2015. Collection method: clinical testing. Allele origin: germline. Inheritance: Autosomal recessive inheritance. Affected: yes. Observed: 1 homozygote.
Comment: A homozygous 3 base pair deletion in exon 6 of the PSAP gene. The observed variant c.679_681(p.Lys227del) has not been reported in the 1000 genomes and gnomAD database. The in silico predictions is damaging by MutationTaster. In summary, the variant meets our criteria to be classified as pathogenic.

Labcorp Genetics (formerly Invitae), Labcorp
Classification: Likely pathogenic for Sphingolipid activator protein 1 deficiency. Last evaluated: 2024-01-24. Review status: criteria provided, single submitter. Criteria: Invitae Variant Classification Sherloc (09022015). Collection method: clinical testing. Allele origin: germline.
Comment: This variant, c.679_681del, results in the deletion of 1 amino acid(s) of the PSAP protein (p.Lys227del), but otherwise preserves the integrity of the reading frame. This variant is not present in population databases (gnomAD no frequency). This variant has been observed in individual(s) with PSAP-related conditions (PMID: 30632081, 31319425, 32180488). In at least one individual the data is consistent with being in trans (on the opposite chromosome) from a pathogenic variant. ClinVar contains an entry for this variant (Variation ID: 562226). Experimental studies and prediction algorithms are not available or were not evaluated, and the functional significance of this variant is currently unknown. In summary, the currently available evidence indicates that the variant is pathogenic, but additional data are needed to prove that conclusively. Therefore, this variant has been classified as Likely Pathogenic.

PreventionGenetics, part of Exact Sciences
Classification: Likely pathogenic for PSAP-related condition. Last evaluated: 2022-11-09. Review status: criteria provided, single submitter. Criteria: ACMG Guidelines, 2015. Collection method: clinical testing. Allele origin: germline.
Comment: The PSAP c.679_681delAAG variant is predicted to result in an in-frame deletion (p.Lys227del). This variant has been reported in the homozygous and compound heterozygous states in individuals with autosomal recessive metachromatic leukodystrophy due to SAP-b deficiency (Kolnikova et al. 2019. PubMed ID: 30632081; Madaan et al. 2019. PubMed ID: 31319425; Parayil Sankaran et al. 2020. PubMed ID: 32180488). This variant has not been reported in a large population database, indicating this variant is rare. This variant is interpreted as likely pathogenic.

Women's Health and Genetics/Laboratory Corporation of America, LabCorp
Classification: Likely pathogenic for Metachromatic leukodystrophy. Last evaluated: 2022-10-12. Review status: criteria provided, single submitter. Criteria: LabCorp Variant Classification Summary - May 2015. Collection method: clinical testing. Allele origin: germline.
Comment: Variant summary: PSAP c.679_681delAAG (p.Lys227del) results in an in-frame deletion that is predicted to remove 1 amino acid from the Saposin B type domain in the encoded protein. The variant was absent in 251484 control chromosomes (gnomAD). c.679_681delAAG has been reported in the literature as a biallelic genotype in individuals affected with Metachromatic Leukodystrophy (Kolnikova_2019, Madaan_2019, Parayil Sankaran_2020). These data indicate that the variant is likely to be associated with disease. To our knowledge, no experimental evidence demonstrating an impact on protein function has been reported. Three ClinVar submitters have assessed the variant since 2014: all three classified the variant as likely pathogenic. Based on the evidence outlined above, the variant was classified as likely pathogenic.

Fulgent Genetics
Classification: Likely pathogenic for Sphingolipid activator protein 1 deficiency; Gaucher disease due to saposin C deficiency; Combined PSAP deficiency; Krabbe disease due to saposin A deficiency; Parkinson disease 24, autosomal dominant, susceptibility to. Last evaluated: 2022-04-15. Review status: criteria provided, single submitter. Criteria: ACMG Guidelines, 2015. Collection method: clinical testing. Allele origin: unknown.

Institute of Experimental Endocrinology, Slovak Academy of Sciences
Classification: Likely pathogenic for Sphingolipid activator protein 1 deficiency. Last evaluated: 2018-08-01. Review status: criteria provided, single submitter. Criteria: ACMG Guidelines, 2015. Collection method: clinical testing. Allele origin: paternal. Affected: yes. Observed: 1 compound heterozygote.
Comment: Observed in compound heterozygosity with NM_002778.2:c.1268del.

Kasturba Medical College, Manipal, Kasturba Medical College, Manipal, Manipal Academy of Higher Education, Manipal, India
Classification: Pathogenic for Sphingolipid activator protein 1 deficiency. Review status: criteria provided, single submitter. Criteria: ACMG Guidelines, 2015. Collection method: clinical testing. Allele origin: inherited. Inheritance: Autosomal recessive inheritance. Affected: yes.

Kasturba Medical College, Manipal, Kasturba Medical College, Manipal, Manipal Academy of Higher Education, Manipal, India
Classification: Pathogenic for PSAP-related disorder. Review status: criteria provided, single submitter. Criteria: ACMG Guidelines, 2015. Collection method: research. Allele origin: biparental. Inheritance: Autosomal recessive inheritance. Affected: yes.
Comment: This was also confirmed by Sanger sequencing. This variant is absent in the gnomAD (v4.1.0) population database. This variant has been reported in ClinVar (VCV000562226.13). This confirms the couple carrier status for PSAP-related disorder.

Neuberg Centre For Genomic Medicine, NCGM
Classification: Likely pathogenic for Sphingolipid activator protein 1 deficiency. Review status: criteria provided, single submitter. Criteria: ACMG Guidelines, 2015. Collection method: clinical testing. Allele origin: germline. Inheritance: Autosomal recessive inheritance. Affected: yes.
Comment: The observed inframe deletion variant c.679_681del(p.Lys227del) in PSAP gene has been reported previously reported in homozygous, compound heterozygous state in individuals with Metachromatic Leukodystrophy (Madaan P, et al., 2019, Kolnikova M, et al., 2019). The c.679_681del variant is absent in gnomAD Exomes. This variant has been reported to the ClinVar database as Pathogenic/Likely Pathogenic. However, experimental studies on the pathogenicity of the variant are not available. This p.Lys227del causes deletion of amino acid Lysine at position 227. For these reasons, this variant has been classified as Likely Pathogenic.

Clinical Genetics Laboratory, University Hospital Schleswig-Holstein
Classification: Likely pathogenic for Combined PSAP deficiency. Last evaluated: 2021-05-27. Review status: no assertion criteria provided. Collection method: clinical testing. Allele origin: germline. Affected: yes. Not counted in ClinVar's aggregate classification.

Literature cited by the submitters: PubMed 30632081 (cited by 5 submitters); PubMed 32180488 (cited by 4 submitters); PubMed 38277958 (cited by Natera, Inc.); PubMed 31319425 (cited by Labcorp Genetics (formerly Invitae), Labcorp and Women's Health and Genetics/Laboratory Corporation of America, LabCorp); PubMed 3063208 (cited by Kasturba Medical College, Manipal, Kasturba Medical College, Manipal, Manipal Academy of Higher Education, Manipal, India).

NM_002778.4(PSAP):c.679_681del (p.Lys227del)

Gene: PSAP (prosaposin; minus strand). Cytogenetic location: 10q22.1.
Variant type: Deletion.
Coding change: c.679_681del on transcript NM_002778.4 (MANE Select); coding-DNA positions 679 to 681, 3 bases deleted (AAG; older notation c.679_681delAAG).
Protein change: p.Lys227del; deletes lysine 227.
Molecular consequence: inframe deletion.
Genome position (GRCh38, 1-based): chr10:71,828,053-71,828,055, CTT deleted on the plus strand (AAG on the coding strand, the reverse complement: PSAP is on the minus strand). VCF-style (leftmost placement, unchanged base first): chr10-71828052-CCTT-C. GRCh37 (hg19) VCF-style: chr10-73587809-CCTT-C.
Other names: p.Lys227del; c.679_681del, p.Lys227del (NM_001042465.3, NM_001042466.3); c.679_681delAAG (NM_002778.3, NM_001042465.3); short protein forms K227del.
Identifiers: ClinVar variation 562226 (VCV000562226.19), dbSNP rs1431844269, ClinGen allele CA470060832.
Genomic context (GRCh38, chr10:71,828,052, plus strand): 5'-TGCACAAGGACACAAGGCTCACTATGTCGGCCATGCCAGGGCCCAGGCGGTCACACTCCT[CCTT>C]GACATGTTCCACCAAGGCCTGGACAAAGGTGGAGTTGGTCCGTACAGCAGTCTGGATGTC-3'